The following is an entry in ClinVar:

NM_004360.5(CDH1):c.693C>T (p.Phe231=)

Gene: CDH1 (cadherin 1; plus strand). Cytogenetic location: 16q22.1.
Variant type: single nucleotide variant.
Coding change: c.693C>T on transcript NM_004360.5 (MANE Select); coding-DNA position 693, C replaced by T.
Protein change: p.Phe231=; no amino-acid change (phenylalanine 231 retained).
Molecular consequence: synonymous variant. On other transcripts: 5 prime UTR variant (2).
Genome position (GRCh38, 1-based): chr16:68,810,202, C>T. VCF-style: chr16-68810202-C-T. GRCh37 (hg19) VCF-style: chr16-68844105-C-T.
Other names: c.693C>T, p.Phe231= (NM_001317184.2); c.-923C>T (NM_001317185.2); c.-1127C>T (NM_001317186.2).
Identifiers: ClinVar variation 2814548 (VCV002814548.5), dbSNP rs2152130994, ClinGen allele CA496152755.

ClinVar aggregate classification (germline): Benign/Likely benign. Review status: criteria provided, multiple submitters, no conflicts (2 of 4 stars). 3 submissions from 3 submitters: Benign (1); Likely benign (2). Last evaluated 2026-07-28.

Conditions:
Hereditary diffuse gastric adenocarcinoma (HDGC). Also called: DIFFUSE GASTRIC AND LOBULAR BREAST CANCER SYNDROME. Identifiers: Orphanet 26106, MedGen C1708349, MONDO:0007648, OMIM 137215.
Hereditary cancer-predisposing syndrome. Also called: Hereditary Cancer Syndrome; Hereditary neoplastic syndrome; Neoplastic Syndromes, Hereditary; Tumor predisposition. Identifiers: Orphanet 140162, MedGen C0027672, MeSH D009386, MONDO:0015356.

Submissions (3):

Ambry Genetics
Classification: Likely benign for Hereditary cancer-predisposing syndrome. Last evaluated: 2026-07-28. Review status: criteria provided, single submitter. Criteria: Ambry Variant Classification Scheme 2023. Collection method: clinical testing. Allele origin: germline.

Myriad Genetics, Inc.
Classification: Benign for Hereditary diffuse gastric adenocarcinoma. Last evaluated: 2024-09-13. Review status: criteria provided, single submitter. Criteria: Myriad Autosomal Dominant, Autosomal Recessive and X-Linked Classification Criteria (2023). Collection method: clinical testing. Allele origin: unknown.
Comment: This variant is considered benign. This variant is a silent/synonymous amino acid change and it is not expected to impact splicing.

Labcorp Genetics (formerly Invitae), Labcorp
Classification: Likely benign for Hereditary diffuse gastric adenocarcinoma. Last evaluated: 2024-07-25. Review status: criteria provided, single submitter. Criteria: Invitae Variant Classification Sherloc (09022015). Collection method: clinical testing. Allele origin: germline.